The following is an entry in ClinVar:

ClinVar aggregate classification (germline): Uncertain significance (1 of 4 stars; one submission).

Conditions:
Chédiak-Higashi syndrome (CHS). Also called: Chediak-Higashi Syndrome. Identifiers: Orphanet 167, MedGen C0007965, MONDO:0008963, OMIM 214500.

Submission:

Labcorp Genetics (formerly Invitae), Labcorp
Classification: Uncertain significance for Chédiak-Higashi syndrome. Last evaluated: 2024-09-02. Review status: criteria provided, single submitter. Criteria: Invitae Variant Classification Sherloc (09022015). Collection method: clinical testing. Allele origin: germline.
Comment: This sequence change replaces valine, which is neutral and non-polar, with alanine, which is neutral and non-polar, at codon 3305 of the LYST protein (p.Val3305Ala). This variant is not present in population databases (gnomAD no frequency). This variant has not been reported in the literature in individuals affected with LYST-related conditions. Invitae Evidence Modeling of protein sequence and biophysical properties (such as structural, functional, and spatial information, amino acid conservation, physicochemical variation, residue mobility, and thermodynamic stability) indicates that this missense variant is expected to disrupt LYST protein function with a positive predictive value of 80%. In summary, the available evidence is currently insufficient to determine the role of this variant in disease. Therefore, it has been classified as a Variant of Uncertain Significance.

NM_000081.4(LYST):c.9914T>C (p.Val3305Ala)

Gene: LYST (lysosomal trafficking regulator; minus strand). Cytogenetic location: 1q42.3.
Variant type: single nucleotide variant.
Coding change: c.9914T>C on transcript NM_000081.4 (MANE Select); coding-DNA position 9914, T replaced by C.
Protein change: p.Val3305Ala; replaces valine 3305 with alanine.
Molecular consequence: missense variant.
Genome position (GRCh38, 1-based): chr1:235,712,068, A>G on the plus strand (T>C on the coding strand, the complement: LYST is on the minus strand). VCF-style: chr1-235712068-A-G. GRCh37 (hg19) VCF-style: chr1-235875368-A-G.
Other names: c.9914T>C, p.Val3305Ala (NM_001301365.1); short protein forms V3305A.
Identifiers: ClinVar variation 3692050 (VCV003692050.2).
Genomic context (GRCh38, chr1:235,712,068, plus strand): 5'-TAACCACAAGCCCTCAGAAATATAAATTAAAAATAATTTATTGCTATACCTTCACGGTTA[A>G]CTAGGAACTCTGGAAGATAGAAAAACTCTGGGATAAGTTCTTTCACATCAGTCATAGATT-3'
Protein context (NP_000072.2, residues 3295-3315): PEFFYLPEFL[Val3305Ala]NREGFDFGVR